The following is an entry in ClinVar:

NM_012144.4(DNAI1):c.464del (p.Thr155fs)

Gene: DNAI1 (dynein axonemal intermediate chain 1; plus strand). Cytogenetic location: 9p13.3.
Variant type: Deletion.
Coding change: c.464del on transcript NM_012144.4 (MANE Select); coding-DNA position 464, one base deleted (C; older notation c.464delC).
Protein change: p.Thr155fs; shifts the reading frame from threonine 155.
Molecular consequence: frameshift variant.
Genome position (GRCh38, 1-based): chr9:34,490,087, C deleted. VCF-style (leftmost placement, unchanged base first): chr9-34490086-AC-A. GRCh37 (hg19) VCF-style: chr9-34490084-AC-A.
Other names: c.476del, p.Thr159fs (NM_001281428.2); short protein forms T155fs, T159fs.
Identifiers: ClinVar variation 4815549 (VCV004815549.2).

ClinVar aggregate classification (germline): Pathogenic/Likely pathogenic. Review status: criteria provided, multiple submitters, no conflicts (2 of 4 stars). 2 submissions from 2 submitters: Pathogenic (1); Likely pathogenic (1). Last evaluated 2024-12-30.

Conditions:
Kartagener syndrome (CILD1). Also called: CILIARY DYSKINESIA, PRIMARY, 1; CILIARY DYSKINESIA, PRIMARY, 1, WITH OR WITHOUT SITUS INVERSUS; IMMOTILE CILIA SYNDROME; POLYNESIAN BRONCHIECTASIS; Dextrocardia bronchiectasis and sinusitis; SIEWERT SYNDROME. Identifiers: Orphanet 244, MedGen C4551906, MONDO:0009484, OMIM 244400.
Primary ciliary dyskinesia. Also called: Ciliary dyskinesia. Identifiers: Orphanet 244, MedGen C0008780, MONDO:0016575, HP:0012265.

Submissions (2):

Natera, Inc.
Classification: Likely pathogenic for Primary ciliary dyskinesia. Last evaluated: 2024-12-30. Review status: criteria provided, single submitter. Criteria: Natera Variant Classification Schema (03/2026). Collection method: clinical testing. Allele origin: germline.
Comment: The c.464del variant in DNAI1 is a frameshift variant predicted to shift the reading frame beginning at codon 155 and leads to a stop codon 18 codons downstream. This variant is expected to result in nonsense mediated decay, truncation, or a dysfunctional protein product. This variant is rare in the general population with a frequency below the threshold expected for the associated phenotype(s). Given the available evidence, this variant is classified as Likely Pathogenic.

Myriad Genetics, Inc.
Classification: Pathogenic for Kartagener syndrome. Last evaluated: 2024-05-14. Review status: criteria provided, single submitter. Criteria: Myriad Autosomal Dominant, Autosomal Recessive and X-Linked Classification Criteria (2023). Collection method: clinical testing. Allele origin: unknown.
Comment: NM_012144.2(DNAI1):c.464delC(T155Mfs*18) is expected to be pathogenic in the context of primary ciliary dyskinesia, DNAI1-related. This variant is predicted to lead to an abnormal or absent protein product due to the creation of a premature termination codon in DNAI1, a gene where loss-of-function variants are known to be pathogenic. Please note: this variant was assessed in the context of healthy population screening.